The following is an entry in ClinVar:

NM_001253697.2(ERBIN):c.2260dup (p.Ala754fs)

Gene: ERBIN (erbb2 interacting protein; plus strand). Cytogenetic location: 5q12.3.
Variant type: Duplication.
Coding change: c.2260dup on transcript NM_001253697.2 (MANE Select); coding-DNA position 2260, one base duplicated (G; older notation c.2260dupG).
Protein change: p.Ala754fs; shifts the reading frame from alanine 754.
Molecular consequence: frameshift variant.
Genome position (GRCh38, 1-based): chr5:66,053,578, G duplicated. VCF-style (leftmost placement, unchanged base first): chr5-66053577-A-AG. GRCh37 (hg19) VCF-style: chr5-65349405-A-AG.
Other names: c.2260dup, p.Ala754fs (NM_001006600.3, NM_001253698.2, NM_001253699.2 and 1 more transcripts); c.2248dup, p.Ala750fs (NM_001253701.2); short protein forms A750fs, A754fs.
Identifiers: ClinVar variation 1519553 (VCV001519553.6), dbSNP rs2151237329, ClinGen allele CA2573139732.
Genomic context (GRCh38, chr5:66,053,577, plus strand): 5'-TGATTTGAATGTTGAAGAGCGATTAGTTCTAATTGAGAAAAGTGTTGACTCAACAGCCAC[A>AG]GCTGATGACACTCACAAATTAGATCATATCAATATGAATCTTAATAAACTTATAACTAAT-3'

ClinVar aggregate classification (germline): Uncertain significance (1 of 4 stars; one submission).

Submission:

Labcorp Genetics (formerly Invitae), Labcorp
Classification: Uncertain significance. Last evaluated: 2024-09-16. Review status: criteria provided, single submitter. Criteria: Invitae Variant Classification Sherloc (09022015). Collection method: clinical testing. Allele origin: germline.
Comment: This sequence change creates a premature translational stop signal (p.Ala754Glyfs*2) in the ERBIN gene. It is expected to result in an absent or disrupted protein product. However, the current clinical and genetic evidence is not sufficient to establish whether loss-of-function variants in ERBIN cause disease. This variant is not present in population databases (gnomAD no frequency). This variant has not been reported in the literature in individuals affected with ERBIN-related conditions. ClinVar contains an entry for this variant (Variation ID: 1519553). Experimental studies and prediction algorithms are not available or were not evaluated, and the functional significance of this variant is currently unknown. In summary, the available evidence is currently insufficient to determine the role of this variant in disease. Therefore, it has been classified as a Variant of Uncertain Significance.